The following is an entry in ClinVar:

NM_001035.3(RYR2):c.7524T>C (p.Ser2508=)

Gene: RYR2 (ryanodine receptor 2; plus strand). Cytogenetic location: 1q43.
Variant type: single nucleotide variant.
Coding change: c.7524T>C on transcript NM_001035.3 (MANE Select); coding-DNA position 7524, T replaced by C.
Protein change: p.Ser2508=; no amino-acid change (serine 2508 retained).
Molecular consequence: synonymous variant.
Genome position (GRCh38, 1-based): chr1:237,649,888, T>C. VCF-style: chr1-237649888-T-C. GRCh37 (hg19) VCF-style: chr1-237813188-T-C.
Other names: c.7524T>C (NM_001035.2).
Identifiers: ClinVar variation 1171473 (VCV001171473.9), dbSNP rs2148796054, ClinGen allele CA423819812.

ClinVar aggregate classification (germline): Likely benign. Review status: criteria provided, multiple submitters, no conflicts (2 of 4 stars). 4 submissions from 4 submitters: Likely benign (4). Last evaluated 2023-10-15.

Conditions:
Cardiomyopathy (CMYO). Also called: Cardiomyopathies. Identifiers: Orphanet 167848, MedGen C0878544, MONDO:0004994, HP:0001638. Inheritance: Various modes of inheritance.
Cardiovascular phenotype. Identifiers: MedGen CN230736.
Catecholaminergic polymorphic ventricular tachycardia (CVPT). Also called: Catecholamine-induced polymorphic ventricular tachycardia. Identifiers: Orphanet 3286, MedGen C5574922, MONDO:0017990.
Catecholaminergic polymorphic ventricular tachycardia 1. Also called: VENTRICULAR TACHYCARDIA, STRESS-INDUCED POLYMORPHIC 1; VENTRICULAR TACHYCARDIA, CATECHOLAMINERGIC POLYMORPHIC, 1, WITH OR WITHOUT ATRIAL DYSFUNCTION AND/OR DILATED CARDIOMYOPATHY; RYR2-Related Catecholaminergic Polymorphic Ventricular Tachycardia. Identifiers: Orphanet 3286, MedGen C1631597, MONDO:0011484, OMIM 604772.

gnomAD v4.1: 17 of 1,613,686 alleles (0.0011%); highest among the groups gnomAD compares: Non-Finnish European, 0.0014%; no homozygotes.

Submissions (4):

Ambry Genetics
Classification: Likely benign for Cardiovascular phenotype. Last evaluated: 2023-10-15. Review status: criteria provided, single submitter. Criteria: Ambry Variant Classification Scheme 2023. Collection method: clinical testing. Allele origin: germline.

All of Us Research Program, National Institutes of Health
Classification: Likely benign for Catecholaminergic polymorphic ventricular tachycardia. Last evaluated: 2023-08-15. Review status: criteria provided, single submitter. Criteria: ACMG Guidelines, 2015. Collection method: clinical testing. Allele origin: germline. Inheritance: Autosomal dominant inheritance. Observed: 1 variant allele, 1 heterozygote.
Comment: This study involves interpretation of variants in research participants for the purpose of population health screening. Participant phenotype was not available at the time of variant classification. Additional details can be found in publication PMID: 35346344, PMCID: PMC8962531

Labcorp Genetics (formerly Invitae), Labcorp
Classification: Likely benign for Catecholaminergic polymorphic ventricular tachycardia 1. Last evaluated: 2022-05-26. Review status: criteria provided, single submitter. Criteria: Invitae Variant Classification Sherloc (09022015). Collection method: clinical testing. Allele origin: germline.

Color Diagnostics, LLC DBA Color Health
Classification: Likely benign for Cardiomyopathy. Last evaluated: 2020-07-27. Review status: criteria provided, single submitter. Criteria: ACMG Guidelines, 2015. Collection method: clinical testing. Allele origin: germline.